The following is an entry in ClinVar:

NM_006904.7(PRKDC):c.7810C>T (p.Pro2604Ser)

Gene: PRKDC (protein kinase, DNA-activated, catalytic subunit; minus strand). Cytogenetic location: 8q11.21.
Variant type: single nucleotide variant.
Coding change: c.7810C>T on transcript NM_006904.7 (MANE Select); coding-DNA position 7810, C replaced by T.
Protein change: p.Pro2604Ser; replaces proline 2604 with serine.
Molecular consequence: missense variant.
Genome position (GRCh38, 1-based): chr8:47,836,479, G>A on the plus strand (C>T on the coding strand, the complement: PRKDC is on the minus strand). VCF-style: chr8-47836479-G-A. GRCh37 (hg19) VCF-style: chr8-48749040-G-A.
Other names: c.7810C>T, p.Pro2604Ser (NM_001081640.2); short protein forms P2604S.
Identifiers: ClinVar variation 1760742 (VCV001760742.2), dbSNP rs2551867352, ClinGen allele CA371151219.

ClinVar aggregate classification (germline): Uncertain significance (1 of 4 stars; one submission).

gnomAD v4.1: 1 of 1,610,784 alleles (0.000062%); highest among the groups gnomAD compares: South Asian, 0.0011%; no homozygotes.

Submission:

Ambry Genetics
Classification: Uncertain significance. Last evaluated: 2022-09-30. Review status: criteria provided, single submitter. Criteria: Ambry Variant Classification Scheme 2023. Collection method: clinical testing. Allele origin: germline.
Comment: The p.P2604S variant (also known as c.7810C>T), located in coding exon 58 of the PRKDC gene, results from a C to T substitution at nucleotide position 7810. The proline at codon 2604 is replaced by serine, an amino acid with similar properties. This amino acid position is conserved. In addition, this alteration is predicted to be deleterious by in silico analysis. Since supporting evidence is limited at this time, the clinical significance of this alteration remains unclear.